The following is an entry in ClinVar:

NM_012338.4(TSPAN12):c.695T>C (p.Val232Ala)

Gene: TSPAN12 (tetraspanin 12; minus strand). Cytogenetic location: 7q31.31.
Variant type: single nucleotide variant.
Coding change: c.695T>C on transcript NM_012338.4 (MANE Select); coding-DNA position 695, T replaced by C.
Protein change: p.Val232Ala; replaces valine 232 with alanine.
Molecular consequence: missense variant.
Genome position (GRCh38, 1-based): chr7:120,788,815, A>G on the plus strand (T>C on the coding strand, the complement: TSPAN12 is on the minus strand). VCF-style: chr7-120788815-A-G. GRCh37 (hg19) VCF-style: chr7-120428869-A-G.
Other names: short protein forms V232A.
Identifiers: ClinVar variation 848973 (VCV000848973.12), dbSNP rs150675114, ClinGen allele CA4453820.
Genomic context (GRCh38, chr7:120,788,815, plus strand): 5'-CTATCATAATACAGAGCCCAGAGCAGAGTAATGGTGAGAATCATGGCCAGGATTTGTGTC[A>G]CCCCAATGGAGATTCCCAGAAACCTCAGCACCTGCAGTTGTTTGGTTCCTCTCAAAAAGG-3'
Protein context (NP_036470.1, residues 222-242): VLRFLGISIG[Val232Ala]TQILAMILTI

ClinVar aggregate classification (germline): Uncertain significance. Review status: criteria provided, multiple submitters, no conflicts (2 of 4 stars). 2 submissions from 2 submitters: Uncertain significance (2). Last evaluated 2025-08-30.

Conditions:
Inborn genetic diseases. Identifiers: MedGen C0950123, MeSH D030342.

Allele frequency attached by ClinVar (database versions not stated): gnomAD exomes 0.00001 and 0.00002; ExAC 0.00002; gnomAD 0.00002 and 0.00004; TOPMed 0.00003; 1000 Genomes Project 30x 0.00016; 1000 Genomes Project 0.00020.
gnomAD v4.1: 13 of 1,614,092 alleles (0.00081%); highest among the groups gnomAD compares: African/African-American, 0.012%; no homozygotes.

Submissions (2):

Ambry Genetics
Classification: Uncertain significance for Inborn genetic diseases. Last evaluated: 2025-08-30. Review status: criteria provided, single submitter. Criteria: Ambry Variant Classification Scheme 2023. Collection method: clinical testing. Allele origin: germline.

Labcorp Genetics (formerly Invitae), Labcorp
Classification: Uncertain significance. Last evaluated: 2024-10-25. Review status: criteria provided, single submitter. Criteria: Invitae Variant Classification Sherloc (09022015). Collection method: clinical testing. Allele origin: germline.
Comment: This sequence change replaces valine, which is neutral and non-polar, with alanine, which is neutral and non-polar, at codon 232 of the TSPAN12 protein (p.Val232Ala). This variant is present in population databases (rs150675114, gnomAD 0.01%). This variant has not been reported in the literature in individuals affected with TSPAN12-related conditions. ClinVar contains an entry for this variant (Variation ID: 848973). Invitae Evidence Modeling of protein sequence and biophysical properties (such as structural, functional, and spatial information, amino acid conservation, physicochemical variation, residue mobility, and thermodynamic stability) indicates that this missense variant is not expected to disrupt TSPAN12 protein function with a negative predictive value of 80%. In summary, the available evidence is currently insufficient to determine the role of this variant in disease. Therefore, it has been classified as a Variant of Uncertain Significance.